The following is an entry in ClinVar:

ClinVar aggregate classification (germline): Likely benign. Review status: criteria provided, multiple submitters, no conflicts (2 of 4 stars). 3 submissions from 3 submitters: Likely benign (3). Last evaluated 2024-04-03.

Conditions:
Hereditary cancer-predisposing syndrome. Also called: Tumor predisposition; Hereditary Cancer Syndrome; Hereditary neoplastic syndrome; Neoplastic Syndromes, Hereditary. Identifiers: Orphanet 140162, MedGen C0027672, MeSH D009386, MONDO:0015356.
Neurofibromatosis, type 1 (NF1). Also called: VON RECKLINGHAUSEN DISEASE; NEUROFIBROMATOSIS, TYPE I, SOMATIC; Peripheral type neurofibromatosis; Neurofibromatosis, type I. Identifiers: Orphanet 636, MedGen C0027831, MONDO:0018975, OMIM 162200. Disease mechanism: loss of function.

Allele frequency attached by ClinVar (database versions not stated): ExAC 0.00001; gnomAD exomes 0.00001; ESP Exome Variant Server 0.00008.
gnomAD v4.1: 3 of 1,614,146 alleles (0.00019%); highest among the groups gnomAD compares: Non-Finnish European, 0.00025%; no homozygotes.

Submissions (3):

Labcorp Genetics (formerly Invitae), Labcorp
Classification: Likely benign for Neurofibromatosis, type 1. Last evaluated: 2024-04-03. Review status: criteria provided, single submitter. Criteria: Invitae Variant Classification Sherloc (09022015). Collection method: clinical testing. Allele origin: germline.

Genome-Nilou Lab
Classification: Likely benign for Neurofibromatosis, type 1. Last evaluated: 2022-03-15. Review status: criteria provided, single submitter. Criteria: ACMG Guidelines, 2015. Collection method: clinical testing. Allele origin: germline. Affected: no.

Ambry Genetics
Classification: Likely benign for Hereditary cancer-predisposing syndrome. Last evaluated: 2015-08-30. Review status: criteria provided, single submitter. Criteria: Ambry Autosomal Dominant and X-Linked criteria (10/2015). Collection method: clinical testing. Allele origin: germline. Observed: 1 variant allele.
Comment: Synonymous alterations with insufficient evidence to classify as benign

NM_001042492.3(NF1):c.366C>T (p.His122=)

Gene: NF1 (neurofibromin 1; plus strand). Cytogenetic location: 17q11.2.
Variant type: single nucleotide variant.
Coding change: c.366C>T on transcript NM_001042492.3 (MANE Select); coding-DNA position 366, C replaced by T.
Protein change: p.His122=; no amino-acid change (histidine 122 retained).
Molecular consequence: synonymous variant.
Genome position (GRCh38, 1-based): chr17:31,163,263, C>T. VCF-style: chr17-31163263-C-T. GRCh37 (hg19) VCF-style: chr17-29490281-C-T.
Other names: c.366C>T, p.His122= (NM_000267.4, NM_001128147.3).
Identifiers: ClinVar variation 233681 (VCV000233681.14), dbSNP rs138952888, ClinGen allele CA8485532.